The following is an entry in ClinVar:

ClinVar aggregate classification (germline): Uncertain significance (1 of 4 stars; one submission).

Conditions:
Multiple congenital exostosis (EXT). Also called: Hereditary multiple exostoses; Hereditary multiple exostosis; Multiple exostoses; Multiple osteochondromas; MULTIPLE CARTILAGINOUS EXOSTOSES; Hereditary multiple osteochondromas. Identifiers: Orphanet 321, MedGen C0015306, MONDO:0005508, HP:0002762.

Allele frequency attached by ClinVar (database versions not stated): gnomAD exomes below 0.00001.
gnomAD v4.1: 2 of 1,612,652 alleles (0.00012%); highest among the groups gnomAD compares: South Asian, 0.0011%; no homozygotes.

Submission:

Labcorp Genetics (formerly Invitae), Labcorp
Classification: Uncertain significance for Multiple congenital exostosis. Last evaluated: 2022-06-27. Review status: criteria provided, single submitter. Criteria: Invitae Variant Classification Sherloc (09022015). Collection method: clinical testing. Allele origin: germline.
Comment: This variant has not been reported in the literature in individuals affected with EXT1-related conditions. This sequence change replaces isoleucine, which is neutral and non-polar, with phenylalanine, which is neutral and non-polar, at codon 430 of the EXT1 protein (p.Ile430Phe). This variant is not present in population databases (gnomAD no frequency). Advanced modeling of protein sequence and biophysical properties (such as structural, functional, and spatial information, amino acid conservation, physicochemical variation, residue mobility, and thermodynamic stability) performed at Invitae indicates that this missense variant is expected to disrupt EXT1 protein function. In summary, the available evidence is currently insufficient to determine the role of this variant in disease. Therefore, it has been classified as a Variant of Uncertain Significance.

NM_000127.3(EXT1):c.1288A>T (p.Ile430Phe)

Gene: EXT1 (exostosin glycosyltransferase 1; minus strand). Cytogenetic location: 8q24.11.
Variant type: single nucleotide variant.
Coding change: c.1288A>T on transcript NM_000127.3 (MANE Select); coding-DNA position 1288, A replaced by T.
Protein change: p.Ile430Phe; replaces isoleucine 430 with phenylalanine.
Molecular consequence: missense variant.
Genome position (GRCh38, 1-based): chr8:117,822,594, T>A on the plus strand (A>T on the coding strand, the complement: EXT1 is on the minus strand). VCF-style: chr8-117822594-T-A. GRCh37 (hg19) VCF-style: chr8-118834833-T-A.
Other names: short protein forms I430F.
Identifiers: ClinVar variation 1435341 (VCV001435341.8), dbSNP rs2129749685, ClinGen allele CA371888194.